The following is an entry in ClinVar:

NM_018124.4(RFWD3):c.519-1G>A

Gene: RFWD3 (ring finger and WD repeat domain 3; minus strand). Cytogenetic location: 16q23.1.
Variant type: single nucleotide variant.
Coding change: c.519-1G>A on transcript NM_018124.4 (MANE Select); the canonical splice acceptor site of the intron before coding-DNA position 519, G replaced by A.
Molecular consequence: splice acceptor variant. On other transcripts: intron variant (1).
Genome position (GRCh38, 1-based): chr16:74,652,123, C>T on the plus strand (G>A on the coding strand, the complement: RFWD3 is on the minus strand). VCF-style: chr16-74652123-C-T. GRCh37 (hg19) VCF-style: chr16-74686021-C-T.
Other names: c.519-1G>A (NM_001370534.1, NM_001370536.1, NM_001370535.1); c.-113-2921G>A (NM_001370539.1); c.-490-1G>A (NM_001370537.1); c.-245-1G>A (NM_001370543.1); c.-367-1G>A (NM_001370542.1); c.-316-1G>A (NM_001370540.1).
Identifiers: ClinVar variation 1976949 (VCV001976949.5), dbSNP rs1567582753, ClinGen allele CA396763735.

ClinVar aggregate classification (germline): Uncertain significance (1 of 4 stars; one submission).

Allele frequency attached by ClinVar (database versions not stated): gnomAD exomes below 0.00001.
gnomAD v4.1: 3 of 1,613,506 alleles (0.00019%); highest among the groups gnomAD compares: Non-Finnish European, 0.000085%; no homozygotes.

Submission:

Labcorp Genetics (formerly Invitae), Labcorp
Classification: Uncertain significance. Last evaluated: 2024-09-30. Review status: criteria provided, single submitter. Criteria: Invitae Variant Classification Sherloc (09022015). Collection method: clinical testing. Allele origin: germline.
Comment: This sequence change affects an acceptor splice site in intron 2 of the RFWD3 gene. It is expected to disrupt RNA splicing. Variants that disrupt the donor or acceptor splice site typically lead to a loss of protein function (PMID: 16199547), however the current clinical and genetic evidence is not sufficient to establish whether loss-of-function variants in RFWD3 cause disease. This variant is not present in population databases (gnomAD no frequency). This variant has not been reported in the literature in individuals affected with RFWD3-related conditions. ClinVar contains an entry for this variant (Variation ID: 1976949). Algorithms developed to predict the effect of sequence changes on RNA splicing suggest that this variant may disrupt the consensus splice site. In summary, the available evidence is currently insufficient to determine the role of this variant in disease. Therefore, it has been classified as a Variant of Uncertain Significance.

Literature cited by the submitters: PubMed 16199547.